The following is an entry in ClinVar:

ClinVar aggregate classification (germline): Uncertain significance (1 of 4 stars; one submission).

Conditions:
DLG5-related disorder. Also called: DLG5-related condition.

Allele frequency attached by ClinVar (database versions not stated): gnomAD exomes below 0.00001; TOPMed below 0.00001.
gnomAD v4.1: 6 of 1,609,040 alleles (0.00037%); highest among the groups gnomAD compares: Non-Finnish European, 0.00042%; no homozygotes.

Submission:

PreventionGenetics, part of Exact Sciences
Classification: Uncertain significance for DLG5-related condition. Last evaluated: 2022-09-06. Review status: criteria provided, single submitter. Criteria: ACMG Guidelines, 2015. Collection method: clinical testing. Allele origin: germline.
Comment: The DLG5 c.2737C>T variant is predicted to result in the amino acid substitution p.Arg913Trp. To our knowledge, this variant has not been reported in the literature or in a large population database, indicating this variant is rare. At this time, the clinical significance of this variant is uncertain due to the absence of conclusive functional and genetic evidence.

NM_004747.4(DLG5):c.2737C>T (p.Arg913Trp)

Gene: DLG5 (discs large MAGUK scaffold protein 5; minus strand). Cytogenetic location: 10q22.3.
Variant type: single nucleotide variant.
Coding change: c.2737C>T on transcript NM_004747.4 (MANE Select); coding-DNA position 2737, C replaced by T.
Protein change: p.Arg913Trp; replaces arginine 913 with tryptophan.
Molecular consequence: missense variant.
Genome position (GRCh38, 1-based): chr10:77,821,747, G>A on the plus strand (C>T on the coding strand, the complement: DLG5 is on the minus strand). VCF-style: chr10-77821747-G-A. GRCh37 (hg19) VCF-style: chr10-79581505-G-A.
Other names: short protein forms R913W.
Identifiers: ClinVar variation 2637058 (VCV002637058.1), dbSNP rs1031352863, ClinGen allele CA209794149.